The following is an entry in ClinVar:

ClinVar aggregate classification (germline): Uncertain significance (1 of 4 stars; one submission).

gnomAD v4.1: 3 of 1,613,894 alleles (0.00019%); highest among the groups gnomAD compares: Non-Finnish European, 0.00025%; no homozygotes.

Submission:

Labcorp Genetics (formerly Invitae), Labcorp
Classification: Uncertain significance. Last evaluated: 2022-08-16. Review status: criteria provided, single submitter. Criteria: Invitae Variant Classification Sherloc (09022015). Collection method: clinical testing. Allele origin: germline.
Comment: In summary, the available evidence is currently insufficient to determine the role of this variant in disease. Therefore, it has been classified as a Variant of Uncertain Significance. Algorithms developed to predict the effect of missense changes on protein structure and function are either unavailable or do not agree on the potential impact of this missense change (SIFT: "Not Available"; PolyPhen-2: "Benign"; Align-GVGD: "Not Available"). This variant has not been reported in the literature in individuals affected with IREB2-related conditions. This variant is present in population databases (no rsID available, gnomAD 0.0009%). This sequence change replaces leucine, which is neutral and non-polar, with isoleucine, which is neutral and non-polar, at codon 166 of the IREB2 protein (p.Leu166Ile).

NM_004136.4(IREB2):c.496C>A (p.Leu166Ile)

Gene: IREB2 (iron responsive element binding protein 2; plus strand). Cytogenetic location: 15q25.1.
Variant type: single nucleotide variant.
Coding change: c.496C>A on transcript NM_004136.4 (MANE Select); coding-DNA position 496, C replaced by A.
Protein change: p.Leu166Ile; replaces leucine 166 with isoleucine.
Molecular consequence: missense variant. On other transcripts: 5 prime UTR variant (1).
Genome position (GRCh38, 1-based): chr15:78,466,356, C>A. VCF-style: chr15-78466356-C-A. GRCh37 (hg19) VCF-style: chr15-78758698-C-A.
Other names: c.-185C>A (NM_001320941.2); c.325C>A, p.Leu109Ile (NM_001320942.2, NM_001354994.2); c.496C>A, p.Leu166Ile (NM_001320943.2); short protein forms L166I, L109I.
Identifiers: ClinVar variation 2092142 (VCV002092142.4), dbSNP rs143069481, ClinGen allele CA393566765.
Genomic context (GRCh38, chr15:78,466,356, plus strand): 5'-GGAGGTGGTGACCTGCAGAAAGCAGGAAAGCTCTCTCCACTTAAAGTGCAGCCTAAGAAG[C>A]TTCCCTGCAGAGGCCAGACTACCTGCCGAGGATCTTGTGATTCTGGAGAACTAGGCCGAA-3'
Protein context (NP_004127.2, residues 156-176): LSPLKVQPKK[Leu166Ile]PCRGQTTCRG